The following is an entry in ClinVar:

ClinVar aggregate classification (germline): Uncertain significance (1 of 4 stars; one submission).

Submission:

GeneDx
Classification: Uncertain significance. Last evaluated: 2025-03-24. Review status: criteria provided, single submitter. Criteria: GeneDx Variant Classification Process June 2021. Collection method: clinical testing. Allele origin: germline. Affected: yes.
Comment: Not observed at significant frequency in large population cohorts (gnomAD); In silico analysis supports that this missense variant has a deleterious effect on protein structure/function; Has not been previously published as pathogenic or benign to our knowledge

NM_002430.3(MN1):c.1690C>T (p.Arg564Trp)

Gene: MN1 (MN1 proto-oncogene, transcriptional regulator; minus strand). Cytogenetic location: 22q12.1.
Variant type: single nucleotide variant.
Coding change: c.1690C>T on transcript NM_002430.3 (MANE Select); coding-DNA position 1690, C replaced by T.
Protein change: p.Arg564Trp; replaces arginine 564 with tryptophan.
Molecular consequence: missense variant.
Genome position (GRCh38, 1-based): chr22:27,798,854, G>A on the plus strand (C>T on the coding strand, the complement: MN1 is on the minus strand). VCF-style: chr22-27798854-G-A. GRCh37 (hg19) VCF-style: chr22-28194842-G-A.
Other names: short protein forms R564W.
Identifiers: ClinVar variation 4087884 (VCV004087884.1).
Genomic context (GRCh38, chr22:27,798,854, plus strand): 5'-CGTCCCCGGGGTGGCCTAGCTGAGCCAGGTTGGGCTGGCGCAGCCGCTGCTGCTGATTCC[G>A]CGACGCCATCTGCTTAATCATGAGGGCCGCGTTTTGGCGCTGCTGCTGCTGCTGCTGTTG-3'
Protein context (NP_002421.3, residues 554-574): AALMIKQMAS[Arg564Trp]NQQQRLRQPN